The following is an entry in ClinVar:

ClinVar aggregate classification (germline): Pathogenic/Likely pathogenic. Review status: criteria provided, multiple submitters, no conflicts (2 of 4 stars). 5 submissions from 5 submitters: Pathogenic (1); Likely pathogenic (2). 2 of the submissions do not count toward it. Last evaluated 2025-05-13.

Conditions:
Tay-Sachs disease (TSD). Also called: HEXA DEFICIENCY; GM2 gangliosidosis, type 1; Hexosaminidase alpha-subunit deficiency (variant B); Sphingolipidosis, Tay-Sachs; Hexosaminidase A Deficiency; HEXA Disorders. Identifiers: Orphanet 845, MedGen C0039373, MONDO:0010100, OMIM 272800.

Allele frequency attached by ClinVar (database versions not stated): gnomAD exomes below 0.00001; ExAC 0.00001.

Submissions (5):

Natera, Inc.
Classification: Pathogenic for Tay-Sachs disease. Last evaluated: 2025-05-13. Review status: criteria provided, single submitter. Criteria: Natera Variant Classification Schema (03/2026). Collection method: clinical testing. Allele origin: germline.
Comment: The c.316C>T variant in HEXA is a nonsense variant predicted to introduce a stop codon at amino acid 106. This variant is expected to result in nonsense mediated decay, truncation, or a dysfunctional protein product. This variant is rare in the general population with a frequency below the threshold expected for the associated phenotype(s). This variant has been observed in one or more individuals affected with the associated recessive disease, as either homozygous or compound heterozygous with a second variant (PMID: 31388111). Given the available evidence, this variant is classified as Pathogenic.

Women's Health and Genetics/Laboratory Corporation of America, LabCorp
Classification: Likely pathogenic for Tay-Sachs disease. Last evaluated: 2022-03-21. Review status: criteria provided, single submitter. Criteria: LabCorp Variant Classification Summary - May 2015. Collection method: clinical testing. Allele origin: germline.
Comment: Variant summary: HEXA c.316C>T (p.Gln106X) results in a premature termination codon, predicted to cause a truncation of the encoded protein or absence of the protein due to nonsense mediated decay, which are commonly known mechanisms for disease. Truncations downstream of this position have been classified as pathogenic by our laboratory. The variant allele was found at a frequency of 4e-06 in 251378 control chromosomes (gnomAD). c.316C>T has been reported in the literature in at least one individual affected with Tay-Sachs Disease (Mistri_2019) and one obligate carrier (Akerman_1997). These data do not allow any conclusion about variant significance. To our knowledge, no experimental evidence demonstrating an impact on protein function has been reported. Two ClinVar submitters have assessed the variant since 2014: both classified the variant as likely pathogenic. Based on the evidence outlined above, the variant was classified as likely pathogenic.

Revvity Omics, Revvity
Classification: Likely pathogenic for Tay-Sachs disease. Last evaluated: 2021-11-01. Review status: criteria provided, single submitter. Criteria: ACMG Guidelines, 2015. Collection method: clinical testing. Allele origin: germline.

Counsyl
Classification: Likely pathogenic for Tay-Sachs disease. Last evaluated: 2018-01-31. Review status: no assertion criteria provided. Collection method: clinical testing. Allele origin: unknown. Not counted in ClinVar's aggregate classification.

Foundation for Research in Genetics and Endocrinology, FRIGE's Institute of Human Genetics
Classification: Pathogenic for Tay-Sachs disease. Last evaluated: 2014-06-17. Review status: no assertion criteria provided. Collection method: research. Allele origin: germline. Inheritance: Autosomal recessive inheritance. Affected: yes. Observed: 1 homozygote. Not counted in ClinVar's aggregate classification.

Literature cited by the submitters: PubMed 31388111 (cited by Natera, Inc. and Women's Health and Genetics/Laboratory Corporation of America, LabCorp); PubMed 9150157 (cited by 3 submitters).

NM_000520.6(HEXA):c.316C>T (p.Gln106Ter)

Gene: HEXA (hexosaminidase subunit alpha; minus strand). Cytogenetic location: 15q23.
Variant type: single nucleotide variant.
Coding change: c.316C>T on transcript NM_000520.6 (MANE Select); coding-DNA position 316, C replaced by T.
Protein change: p.Gln106Ter; replaces glutamine 106 with a stop codon.
Molecular consequence: nonsense. On other transcripts: non-coding transcript variant (1).
Genome position (GRCh38, 1-based): chr15:72,356,555, G>A on the plus strand (C>T on the coding strand, the complement: HEXA is on the minus strand). VCF-style: chr15-72356555-G-A. GRCh37 (hg19) VCF-style: chr15-72648896-G-A.
Other names: c.349C>T, p.Gln117Ter (NM_001318825.2); c.316C>T (NM_000520.5); short protein forms Q106*, Q117*.
Identifiers: ClinVar variation 375349 (VCV000375349.9), dbSNP rs773446161, ClinGen allele CA7645041.